The following is an entry in ClinVar:

NM_001267550.2(TTN):c.43710dup (p.Met14571fs)

Gene: TTN (titin; minus strand). Cytogenetic location: 2q31.2.
Variant type: Duplication.
Coding change: c.43710dup on transcript NM_001267550.2 (MANE Select); coding-DNA position 43710, one base duplicated (T; older notation c.43710dupT).
Protein change: p.Met14571fs; shifts the reading frame from methionine 14571.
Molecular consequence: frameshift variant.
Genome position (GRCh38, 1-based): chr2:178,632,184, A duplicated on the plus strand (T on the coding strand, the reverse complement: TTN is on the minus strand). VCF-style (leftmost placement, unchanged base first): chr2-178632183-T-TA. GRCh37 (hg19) VCF-style: chr2-179496910-T-TA.
Other names: c.38787dup, p.Met12930fs (NM_001256850.1); c.16515dup, p.Met5506fs (NM_003319.4); c.36006dup, p.Met12003fs (NM_133378.4); c.16890dup, p.Met5631fs (NM_133432.3); c.17091dup, p.Met5698fs (NM_133437.4); short protein forms M5631fs, M12003fs, M12930fs, M5506fs, M5698fs, M14571fs.
Identifiers: ClinVar variation 1386080 (VCV001386080.6), dbSNP rs2154220574, ClinGen allele CA2573133796.

ClinVar aggregate classification (germline): Likely pathogenic (1 of 4 stars; one submission).

Conditions:
Dilated cardiomyopathy 1G (CMD1G). Identifiers: Orphanet 154, MedGen C1858763, MONDO:0011400, OMIM 604145.
Autosomal recessive limb-girdle muscular dystrophy type 2J (LGMDR10). Also called: Limb-girdle muscular dystrophy, type 2J; MUSCULAR DYSTROPHY, LIMB-GIRDLE, AUTOSOMAL RECESSIVE 10. Identifiers: Orphanet 140922, MedGen C1837342, MONDO:0012127, OMIM 608807.

Submission:

Labcorp Genetics (formerly Invitae), Labcorp
Classification: Likely pathogenic for Dilated cardiomyopathy 1G; Autosomal recessive limb-girdle muscular dystrophy type 2J. Last evaluated: 2024-10-18. Review status: criteria provided, single submitter. Criteria: Invitae Variant Classification Sherloc (09022015). Collection method: clinical testing. Allele origin: germline.
Comment: This sequence change creates a premature translational stop signal (p.Met14571Tyrfs*8) in the TTN gene. While this is not anticipated to result in nonsense mediated decay, it is expected to create a truncated TTN protein. This variant is not present in population databases (gnomAD no frequency). This variant has not been reported in the literature in individuals affected with TTN-related conditions. ClinVar contains an entry for this variant (Variation ID: 1386080). This variant is located in the I band of TTN (PMID: 25589632). Truncating variants in this region have been reported in individuals affected with autosomal recessive centronuclear myopathy (PMID: 23975875, internal data). Truncating variants in this region have also been identified in individuals affected with autosomal dominant dilated cardiomyopathy and/or cardio-related conditions (PMID: 27869827, 32964742, internal data). In summary, the currently available evidence indicates that the variant is pathogenic, but additional data are needed to prove that conclusively. Therefore, this variant has been classified as Likely Pathogenic.

Literature cited by the submitters: PubMed 25589632; PubMed 23975875; PubMed 27869827; PubMed 32964742.